The following is an entry in ClinVar:

ClinVar aggregate classification (germline): Uncertain significance (1 of 4 stars; one submission).

Conditions:
Hereditary spastic paraplegia 4. Also called: Spastic paraplegia 4, autosomal dominant; Familial spastic paraplegia autosomal dominant 2; Spastic Paraplegia 4. Identifiers: Orphanet 100985, MedGen C1866855, MONDO:0008438, OMIM 182601.

Submission:

Labcorp Genetics (formerly Invitae), Labcorp
Classification: Uncertain significance for Hereditary spastic paraplegia 4. Last evaluated: 2022-04-10. Review status: criteria provided, single submitter. Criteria: Invitae Variant Classification Sherloc (09022015). Collection method: clinical testing. Allele origin: germline.
Comment: In summary, the available evidence is currently insufficient to determine the role of this variant in disease. Therefore, it has been classified as a Variant of Uncertain Significance. Advanced modeling of protein sequence and biophysical properties (such as structural, functional, and spatial information, amino acid conservation, physicochemical variation, residue mobility, and thermodynamic stability) performed at Invitae indicates that this missense variant is not expected to disrupt SPAST protein function. This variant has not been reported in the literature in individuals affected with SPAST-related conditions. This variant is not present in population databases (gnomAD no frequency). This sequence change replaces methionine, which is neutral and non-polar, with valine, which is neutral and non-polar, at codon 274 of the SPAST protein (p.Met274Val).

NM_014946.4(SPAST):c.820A>G (p.Met274Val)

Gene: SPAST (spastin; plus strand). Cytogenetic location: 2p22.3.
Variant type: single nucleotide variant.
Coding change: c.820A>G on transcript NM_014946.4 (MANE Select); coding-DNA position 820, A replaced by G.
Protein change: p.Met274Val; replaces methionine 274 with valine.
Molecular consequence: missense variant.
Genome position (GRCh38, 1-based): chr2:32,114,775, A>G. VCF-style: chr2-32114775-A-G. GRCh37 (hg19) VCF-style: chr2-32339844-A-G.
Other names: c.817A>G, p.Met273Val (NM_001363823.2); c.721A>G, p.Met241Val (NM_001363875.2); c.724A>G, p.Met242Val (NM_001377959.1, NM_199436.2); short protein forms M241V, M242V, M273V, M274V.
Identifiers: ClinVar variation 2090468 (VCV002090468.4), dbSNP rs2465835451, ClinGen allele CA346498733.